The following is an entry in ClinVar:

ClinVar aggregate classification (germline): Pathogenic (1 of 4 stars; one submission).

Conditions:
Duchenne muscular dystrophy (DMD). Also called: MUSCULAR DYSTROPHY, PSEUDOHYPERTROPHIC PROGRESSIVE, DUCHENNE TYPE; Duchenne Muscular Dystrophy (DMD). Identifiers: Orphanet 98896, MedGen C0013264, MONDO:0010679, OMIM 310200.

Submission:

Labcorp Genetics (formerly Invitae), Labcorp
Classification: Pathogenic for Duchenne muscular dystrophy. Last evaluated: 2021-01-23. Review status: criteria provided, single submitter. Criteria: Invitae Variant Classification Sherloc (09022015). Collection method: clinical testing. Allele origin: germline.
Comment: Experimental studies and prediction algorithms are not available or were not evaluated, and the functional significance of this variant is currently unknown. For these reasons, this variant has been classified as Pathogenic. This variant has been observed in individual(s) with clinical features of Duchenne muscular dystrophy (Invitae). In at least one individual the variant was observed to be de novo. This variant results in a copy number gain of the genomic region encompassing exon(s) 5-13 of the DMD gene. While the exact position of this variant cannot be determined from the data, sub-genic copy number gains are generally in tandem (PMID: 25640679). This variant is predicted to be in-frame, and likely preserves the integrity of the reading frame.

Literature cited by the submitters: PubMed 25640679.

NC_000023.10:g.(?_32613864)_(32841514_?)dup

Gene: DMD (dystrophin; minus strand). Cytogenetic location: Xp21.1.
Variant type: Duplication.
Identifiers: ClinVar variation 1062575 (VCV001062575.3).